The following is an entry in ClinVar:

NM_000535.7(PMS2):c.251-7C>G

Gene: PMS2 (PMS1 homolog 2, mismatch repair system component; minus strand). Cytogenetic location: 7p22.1.
Variant type: single nucleotide variant.
Coding change: c.251-7C>G on transcript NM_000535.7 (MANE Select); 7 bases into the intron before coding-DNA position 251, C replaced by G.
Molecular consequence: intron variant.
Genome position (GRCh38, 1-based): chr7:6,003,799, G>C on the plus strand (C>G on the coding strand, the complement: PMS2 is on the minus strand). VCF-style: chr7-6003799-G-C. GRCh37 (hg19) VCF-style: chr7-6043430-G-C.
Other names: c.35+173C>G (NM_001322008.2, NM_001322007.2); c.-155-7C>G (NM_001322010.2, NM_001322004.2, NM_001322013.2 and 3 more transcripts); c.-634-7C>G (NM_001322012.2, NM_001322011.2); c.-234-7C>G (NM_001322015.2); c.251-7C>G (NM_001322006.2, NM_001322014.2).
Identifiers: ClinVar variation 922540 (VCV000922540.12), dbSNP rs1583409220, ClinGen allele CA1139659968.
Genomic context (GRCh38, chr7:6,003,799, plus strand): 5'-CAACCTGAGTTAGGTCGGCAAACTCTTGAATCTTAGATGTGTGATGTTTCAGAGCTGAAA[G>C]AGAGTGTAAAGTAAGGACTAAGATATCTCAAGTGCTATAACAACAAAATATACATGATAT-3'

ClinVar aggregate classification (germline): Conflicting classifications of pathogenicity. Review status: criteria provided, conflicting classifications (1 of 4 stars). 2 submissions from 2 submitters: Uncertain significance (1); Likely benign (1). Last evaluated 2025-12-15.

Conditions:
Hereditary nonpolyposis colorectal neoplasms. Identifiers: MedGen C0009405, MeSH D003123.
Hereditary cancer-predisposing syndrome. Also called: Neoplastic Syndromes, Hereditary; Tumor predisposition; Hereditary Cancer Syndrome; Hereditary neoplastic syndrome. Identifiers: Orphanet 140162, MedGen C0027672, MeSH D009386, MONDO:0015356.

Submissions (2):

Labcorp Genetics (formerly Invitae), Labcorp
Classification: Likely benign for Hereditary nonpolyposis colorectal neoplasms. Last evaluated: 2025-12-15. Review status: criteria provided, single submitter. Criteria: Invitae Variant Classification Sherloc (09022015). Collection method: clinical testing. Allele origin: germline.

Color Diagnostics, LLC DBA Color Health
Classification: Uncertain significance for Hereditary cancer-predisposing syndrome. Last evaluated: 2019-09-06. Review status: criteria provided, single submitter. Criteria: ACMG Guidelines, 2015. Collection method: clinical testing. Allele origin: germline.
Comment: This variant causes a C>G nucleotide substitution at the -7 position of intron 3 of the PMS2 gene. To our knowledge, functional studies have not been performed for this variant. This variant has not been reported in individuals affected with hereditary cancer in the literature. This variant has not been identified in the general population by the Genome Aggregation Database (gnomAD). The available evidence is insufficient to determine the role of this variant in disease conclusively. Therefore, this variant is classified as a Variant of Uncertain Significance.